The following is an entry in ClinVar:

NM_001081.4(CUBN):c.5323C>T (p.Arg1775Trp)

Gene: CUBN (cubilin; minus strand). Cytogenetic location: 10p13.
Variant type: single nucleotide variant.
Coding change: c.5323C>T on transcript NM_001081.4 (MANE Select); coding-DNA position 5323, C replaced by T.
Protein change: p.Arg1775Trp; replaces arginine 1775 with tryptophan.
Molecular consequence: missense variant.
Genome position (GRCh38, 1-based): chr10:16,947,254, G>A on the plus strand (C>T on the coding strand, the complement: CUBN is on the minus strand). VCF-style: chr10-16947254-G-A. GRCh37 (hg19) VCF-style: chr10-16989253-G-A.
Other names: short protein forms R1775W.
Identifiers: ClinVar variation 879099 (VCV000879099.9), dbSNP rs1276708, ClinGen allele CA5424053.

ClinVar aggregate classification (germline): Uncertain significance. Review status: criteria provided, multiple submitters, no conflicts (2 of 4 stars). 6 submissions from 6 submitters: Uncertain significance (6). Last evaluated 2026-02-05.

Conditions:
Proteinuria, chronic benign. Identifiers: MedGen C5394384, MONDO:0030042, OMIM 618884.
Imerslund-Grasbeck syndrome type 1 (IGS1). Also called: MEGALOBLASTIC ANEMIA, 1; Imerslund-Gräsbeck syndrome 1; Megaloblastic anemia 1, Finnish type. Identifiers: MedGen C4016819, MONDO:0100156, OMIM 261100.
CUBN-related disorder. Also called: CUBN-related condition.

Allele frequency attached by ClinVar (database versions not stated): TOPMed 0.00017; gnomAD exomes 0.00025 and 0.00010; ExAC 0.00007; ESP Exome Variant Server 0.00015.
gnomAD v4.1: 378 of 1,613,970 alleles (0.023%); highest among the groups gnomAD compares: Non-Finnish European, 0.03%; no homozygotes.

Submissions (6):

PreventionGenetics, part of Exact Sciences
Classification: Uncertain significance for CUBN-related condition. Last evaluated: 2026-02-05. Review status: criteria provided, single submitter. Criteria: ACMG Guidelines, 2015. Collection method: clinical testing. Allele origin: germline.
Comment: The CUBN c.5323C>T variant is predicted to result in the amino acid substitution p.Arg1775Trp. To our knowledge, this variant has not been reported in the literature. This variant is reported in 0.019% of alleles in individuals of European (non-Finnish) descent in gnomAD. At this time, the clinical significance of this variant is uncertain due to the absence of conclusive functional and genetic evidence.

Women's Health and Genetics/Laboratory Corporation of America, LabCorp
Classification: Uncertain significance. Last evaluated: 2025-07-07. Review status: criteria provided, single submitter. Criteria: LabCorp Variant Classification Summary - May 2015. Collection method: clinical testing. Allele origin: germline.
Comment: Variant summary: CUBN c.5323C>T (p.Arg1775Trp) results in a non-conservative amino acid change in the encoded protein sequence. Algorithms developed to predict the effect of missense changes on protein structure and function are either unavailable or do not agree on the potential impact of this missense change. The variant allele was found at a frequency of 0.0001 in 250962 control chromosomes. This frequency is not significantly higher than estimated for a pathogenic variant in CUBN causing Imerslund-Grasbeck Syndrome Type 1, allowing no conclusion about variant significance. To our knowledge, no occurrence of c.5323C>T in individuals affected with Imerslund-Grasbeck Syndrome Type 1 and no experimental evidence demonstrating its impact on protein function have been reported. ClinVar contains an entry for this variant (Variation ID: 879099). Based on the evidence outlined above, the variant was classified as uncertain significance.

ARUP Laboratories, Molecular Genetics and Genomics, ARUP Laboratories
Classification: Uncertain significance. Last evaluated: 2025-01-29. Review status: criteria provided, single submitter. Criteria: ARUP Molecular Germline Variant Investigation Process 2024. Collection method: clinical testing. Allele origin: germline.
Comment: The CUBN c.5323C>T; p.Arg1775Trp variant (rs1276708, ClinVar Variation ID 879099) is reported in the literature in a cohort comprising spina bifida patients and healthy controls, however its association with disease was not investigated (Franke 2009). This variant is found in the general population with an overall allele frequency of 0.011% (30/282356 alleles) in the Genome Aggregation Database (v2.1.1). Computational analyses are uncertain whether this variant is neutral or deleterious (REVEL: 0.302). Due to limited information, the clinical significance of this variant is uncertain at this time. References: Franke B et al. An association study of 45 folate-related genes in spina bifida: Involvement of cubilin (CUBN) and tRNA aspartic acid methyltransferase 1 (TRDMT1). Birth Defects Res A Clin Mol Teratol. 2009 Mar;85(3):216-26. PMID: 19161160.

Fulgent Genetics
Classification: Uncertain significance for Imerslund-Grasbeck syndrome type 1; Proteinuria, chronic benign. Last evaluated: 2022-02-04. Review status: criteria provided, single submitter. Criteria: ACMG Guidelines, 2015. Collection method: clinical testing. Allele origin: unknown.

GeneDx
Classification: Uncertain significance. Last evaluated: 2019-09-09. Review status: criteria provided, single submitter. Criteria: GeneDx Variant Classification Process June 2021. Collection method: clinical testing. Allele origin: germline. Affected: yes.
Comment: Not observed at a significant frequency in large population cohorts (Lek et al., 2016); In silico analysis, which includes protein predictors and evolutionary conservation, supports a deleterious effect; Has not been previously published as pathogenic or benign to our knowledge; In-silico analysis, which includes splice predictors and evolutionary conservation, is inconclusive as to whether the variant alters gene splicing. In the absence of RNA/functional studies, the actual effect of this sequence change is unknown.

Illumina Laboratory Services, Illumina
Classification: Uncertain significance for Imerslund-Grasbeck syndrome type 1. Last evaluated: 2017-04-28. Review status: criteria provided, single submitter. Criteria: ICSL Variant Classification Criteria 13 December 2019. Collection method: clinical testing. Allele origin: germline.